The following is an entry in ClinVar:

NM_001457.4(FLNB):c.101A>G (p.Asn34Ser)

Gene: FLNB (filamin B; plus strand). Cytogenetic location: 3p14.3.
Variant type: single nucleotide variant.
Coding change: c.101A>G on transcript NM_001457.4 (MANE Select); coding-DNA position 101, A replaced by G.
Protein change: p.Asn34Ser; replaces asparagine 34 with serine.
Molecular consequence: missense variant.
Genome position (GRCh38, 1-based): chr3:58,008,665, A>G. VCF-style: chr3-58008665-A-G. GRCh37 (hg19) VCF-style: chr3-57994392-A-G.
Other names: c.101A>G, p.Asn34Ser (NM_001164317.2, NM_001164318.2, NM_001164319.2); short protein forms N34S.
Identifiers: ClinVar variation 2986441 (VCV002986441.3), dbSNP rs1481548213, ClinGen allele CA353412996.

ClinVar aggregate classification (germline): Uncertain significance (1 of 4 stars; one submission).

Allele frequency attached by ClinVar (database versions not stated): TOPMed below 0.00001; gnomAD exomes 0.00001.
gnomAD v4.1: 8 of 1,614,170 alleles (0.0005%); highest among the groups gnomAD compares: African/African-American, 0.0013%; no homozygotes.

Submission:

Labcorp Genetics (formerly Invitae), Labcorp
Classification: Uncertain significance. Last evaluated: 2024-07-29. Review status: criteria provided, single submitter. Criteria: Invitae Variant Classification Sherloc (09022015). Collection method: clinical testing. Allele origin: germline.
Comment: This sequence change replaces asparagine, which is neutral and polar, with serine, which is neutral and polar, at codon 34 of the FLNB protein (p.Asn34Ser). This variant is present in population databases (no rsID available, gnomAD 0.002%). This variant has not been reported in the literature in individuals affected with FLNB-related conditions. Advanced modeling of protein sequence and biophysical properties (such as structural, functional, and spatial information, amino acid conservation, physicochemical variation, residue mobility, and thermodynamic stability) performed at Invitae indicates that this missense variant is not expected to disrupt FLNB protein function with a negative predictive value of 95%. In summary, the available evidence is currently insufficient to determine the role of this variant in disease. Therefore, it has been classified as a Variant of Uncertain Significance.